The following is an entry in ClinVar:

ClinVar aggregate classification (germline): Conflicting classifications of pathogenicity. Review status: criteria provided, conflicting classifications (1 of 4 stars). 2 submissions from 2 submitters: Likely pathogenic (1); Uncertain significance (1). Last evaluated 2025-07-25.

Conditions:
Glutaric aciduria, type 1. Also called: Glutaryl-CoA dehydrogenase deficiency; GA I; Glutaricaciduria, type I; Glutaric Acidemia Type 1; Glutaric acidemia type I; Glutaricacidemia Type 1. Identifiers: Orphanet 25, MedGen C0268595, MONDO:0009281, OMIM 231670.

Submissions (2):

Women's Health and Genetics/Laboratory Corporation of America, LabCorp
Classification: Uncertain significance. Last evaluated: 2025-07-25. Review status: criteria provided, single submitter. Criteria: LabCorp Variant Classification Summary - May 2015. Collection method: clinical testing. Allele origin: germline.
Comment: Variant summary: GCDH c.280C>T (p.Arg94Trp) results in a non-conservative amino acid change located in the Acyl-CoA dehydrogenase/oxidase, N-terminal domain (IPR013786) of the encoded protein sequence. Algorithms developed to predict the effect of missense changes on protein structure and function all suggest that this variant is likely to be disruptive. The variant was absent in 251476 control chromosomes. To our knowledge, no occurrence of c.280C>T in individuals affected with Glutaric Acidemia Type 1 and no experimental evidence demonstrating its impact on protein function have been reported. Different variants affecting the same codon have been classified as pathogenic by our lab (c.281G>A, p.Arg94Gln & c.281G>T, p.Arg94Leu), supporting the critical relevance of codon 94 to GCDH protein function. ClinVar contains an entry for this variant (Variation ID: 459950). Based on the evidence outlined above, the variant was classified as VUS-possibly pathogenic.

Labcorp Genetics (formerly Invitae), Labcorp
Classification: Likely pathogenic for Glutaric aciduria, type 1. Last evaluated: 2022-08-09. Review status: criteria provided, single submitter. Criteria: Invitae Variant Classification Sherloc (09022015). Collection method: clinical testing. Allele origin: germline.
Comment: This variant disrupts the p.Arg94 amino acid residue in GCDH. Other variant(s) that disrupt this residue have been determined to be pathogenic (PMID: 11024031, 25762492; Invitae). This suggests that this residue is clinically significant, and that variants that disrupt this residue are likely to be disease-causing. In summary, the currently available evidence indicates that the variant is pathogenic, but additional data are needed to prove that conclusively. Therefore, this variant has been classified as Likely Pathogenic. This sequence change replaces arginine, which is basic and polar, with tryptophan, which is neutral and slightly polar, at codon 94 of the GCDH protein (p.Arg94Trp). Algorithms developed to predict the effect of sequence changes on RNA splicing suggest that this variant may disrupt the consensus splice site. Advanced modeling of protein sequence and biophysical properties (such as structural, functional, and spatial information, amino acid conservation, physicochemical variation, residue mobility, and thermodynamic stability) performed at Invitae indicates that this missense variant is expected to disrupt GCDH protein function. ClinVar contains an entry for this variant (Variation ID: 459950). This variant has not been reported in the literature in individuals affected with GCDH-related conditions. This variant is not present in population databases (gnomAD no frequency).

Literature cited by the submitters: PubMed 11024031 (cited by Labcorp Genetics (formerly Invitae), Labcorp); PubMed 25762492 (cited by Labcorp Genetics (formerly Invitae), Labcorp).

NM_000159.4(GCDH):c.280C>T (p.Arg94Trp)

Gene: GCDH (glutaryl-CoA dehydrogenase; plus strand). Cytogenetic location: 19p13.13.
Variant type: single nucleotide variant.
Coding change: c.280C>T on transcript NM_000159.4 (MANE Select); coding-DNA position 280, C replaced by T.
Protein change: p.Arg94Trp; replaces arginine 94 with tryptophan.
Molecular consequence: missense variant. On other transcripts: non-coding transcript variant (1).
Genome position (GRCh38, 1-based): chr19:12,892,124, C>T. VCF-style: chr19-12892124-C-T. GRCh37 (hg19) VCF-style: chr19-13002938-C-T.
Other names: c.280C>T, p.Arg94Trp (NM_013976.5); short protein forms R94W.
Identifiers: ClinVar variation 459950 (VCV000459950.9), dbSNP rs771602677, ClinGen allele CA404315788.